The following is an entry in ClinVar:

NM_005458.8(GABBR2):c.1236+4A>G

Gene: GABBR2 (gamma-aminobutyric acid type B receptor subunit 2; minus strand). Cytogenetic location: 9q22.33.
Variant type: single nucleotide variant.
Coding change: c.1236+4A>G on transcript NM_005458.8 (MANE Select); 4 bases into the intron after coding-DNA position 1236, A replaced by G.
Molecular consequence: intron variant.
Genome position (GRCh38, 1-based): chr9:98,453,977, T>C on the plus strand (A>G on the coding strand, the complement: GABBR2 is on the minus strand). VCF-style: chr9-98453977-T-C. GRCh37 (hg19) VCF-style: chr9-101216259-T-C.
Identifiers: ClinVar variation 4771503 (VCV004771503.1).

ClinVar aggregate classification (germline): Uncertain significance (1 of 4 stars; one submission).

Conditions:
Epileptic encephalopathy. Identifiers: MedGen C0543888, HP:0200134.

Submission:

Labcorp Genetics (formerly Invitae), Labcorp
Classification: Uncertain significance for Epileptic encephalopathy. Last evaluated: 2025-09-18. Review status: criteria provided, single submitter. Criteria: Invitae Variant Classification Sherloc (09022015). Collection method: clinical testing. Allele origin: germline.
Comment: This sequence change falls in intron 7 of the GABBR2 gene. It does not directly change the encoded amino acid sequence of the GABBR2 protein. It affects a nucleotide within the consensus splice site. This variant is not present in population databases (gnomAD no frequency). This variant has not been reported in the literature in individuals affected with GABBR2-related conditions. Variants that disrupt the consensus splice site are a relatively common cause of aberrant splicing (PMID: 17576681, 9536098). Algorithms developed to predict the effect of sequence changes on RNA splicing suggest that this variant is not likely to affect RNA splicing. In summary, the available evidence is currently insufficient to determine the role of this variant in disease. Therefore, it has been classified as a Variant of Uncertain Significance.

Literature cited by the submitters: PubMed 17576681; PubMed 9536098.